The following is an entry in ClinVar:

NM_004056.6(CA8):c.576+5G>A

Gene: CA8 (carbonic anhydrase 8 (inactive); minus strand). Cytogenetic location: 8q12.1.
Variant type: single nucleotide variant.
Coding change: c.576+5G>A on transcript NM_004056.6 (MANE Select); 5 bases into the intron after coding-DNA position 576, G replaced by A.
Molecular consequence: intron variant.
Genome position (GRCh38, 1-based): chr8:60,226,868, C>T on the plus strand (G>A on the coding strand, the complement: CA8 is on the minus strand). VCF-style: chr8-60226868-C-T. GRCh37 (hg19) VCF-style: chr8-61139427-C-T.
Other names: NC_000008.10:g.61139427C>T; c.480+5G>A (NM_001321839.2); c.576+5G>A (NM_001321837.2, NM_001321838.2).
Identifiers: ClinVar variation 588261 (VCV000588261.13), dbSNP rs144839897, ClinGen allele CA4758834.

ClinVar aggregate classification (germline): Benign/Likely benign. Review status: criteria provided, multiple submitters, no conflicts (2 of 4 stars). 5 submissions from 5 submitters: Benign (3); Likely benign (2). Last evaluated 2024-11-05.

Conditions:
Inborn genetic diseases. Identifiers: MedGen C0950123, MeSH D030342.

Allele frequency attached by ClinVar (database versions not stated): gnomAD exomes 0.00125; ExAC 0.00154; 1000 Genomes Project 0.00439; 1000 Genomes Project 30x 0.00453; ESP Exome Variant Server 0.00461; gnomAD 0.00485 and 0.00526; TOPMed 0.00538.
gnomAD v4.1: 1,390 of 1,545,552 alleles (0.09%); highest among the groups gnomAD compares: African/African-American, 1.7%; 8 homozygotes.

Submissions (7):

Blueprint Genetics
Classification: Benign. Last evaluated: 2024-11-05. Review status: criteria provided, single submitter. Criteria: ACMG Guidelines, 2015. Collection method: clinical testing. Allele origin: germline.

Mayo Clinic Laboratories, Mayo Clinic
Classification: Benign. Last evaluated: 2024-07-24. Review status: criteria provided, single submitter. Criteria: ACMG Guidelines, 2015. Collection method: clinical testing. Allele origin: germline. Observed: 2 variant alleles.
Comment: BS1, BS2, BP4

Labcorp Genetics (formerly Invitae), Labcorp
Classification: Benign. Last evaluated: 2019-12-31. Review status: criteria provided, single submitter. Criteria: Invitae Variant Classification Sherloc (09022015). Collection method: clinical testing. Allele origin: germline.

Ambry Genetics
Classification: Likely benign for Inborn genetic diseases. Last evaluated: 2017-09-14. Review status: criteria provided, single submitter. Criteria: Ambry Variant Classification Scheme 2023. Collection method: clinical testing. Allele origin: germline.

Breakthrough Genomics
Classification: Likely benign. Review status: criteria provided, single submitter. Criteria: ACMG Guidelines, 2015. Collection method: not provided. Allele origin: germline. Inheritance: Autosomal recessive inheritance. Affected: yes.

Dr. Peter K. Rogan Lab, Western University
No classification provided (evidence only). Condition: Familial cancer of breast. Review status: no classification provided. Collection method: in vitro. Allele origin: not applicable. Functional consequence: retained intron. Not counted in ClinVar's aggregate classification.

Dr. Peter K. Rogan Lab, Western University
No classification provided (evidence only). Condition: Acute myeloid leukemia. Review status: no classification provided. Collection method: in vitro. Allele origin: not applicable. Functional consequence: retained intron. Not counted in ClinVar's aggregate classification.